The following is an entry in ClinVar:

NM_032444.4(SLX4):c.3470C>T (p.Ser1157Leu)

Gene: SLX4 (SLX4 structure-specific endonuclease subunit; minus strand). Cytogenetic location: 16p13.3.
Variant type: single nucleotide variant.
Coding change: c.3470C>T on transcript NM_032444.4 (MANE Select); coding-DNA position 3470, C replaced by T.
Protein change: p.Ser1157Leu; replaces serine 1157 with leucine.
Molecular consequence: missense variant.
Genome position (GRCh38, 1-based): chr16:3,590,168, G>A on the plus strand (C>T on the coding strand, the complement: SLX4 is on the minus strand). VCF-style: chr16-3590168-G-A. GRCh37 (hg19) VCF-style: chr16-3640169-G-A.
Other names: c.3470C>T (LRG_503t1); short protein forms S1157L.
Identifiers: ClinVar variation 407906 (VCV000407906.8), dbSNP rs769688259, ClinGen allele CA7865916.

ClinVar aggregate classification (germline): Uncertain significance. Review status: criteria provided, multiple submitters, no conflicts (2 of 4 stars). 3 submissions from 3 submitters: Uncertain significance (3). Last evaluated 2025-12-08.

Conditions:
Inborn genetic diseases. Identifiers: MedGen C0950123, MeSH D030342.
Fanconi anemia (FA). Also called: Fanconi's anemia. Identifiers: Orphanet 84, MedGen C0015625, MeSH D005199, MONDO:0019391.

Allele frequency attached by ClinVar (database versions not stated): gnomAD 0.00001; ExAC 0.00001; TOPMed 0.00001; gnomAD exomes 0.00001.
gnomAD v4.1: 24 of 1,614,024 alleles (0.0015%); highest among the groups gnomAD compares: Admixed American, 0.005%; no homozygotes.

Submissions (3):

Ambry Genetics
Classification: Uncertain significance for Inborn genetic diseases. Last evaluated: 2025-12-08. Review status: criteria provided, single submitter. Criteria: Ambry Variant Classification Scheme 2023. Collection method: clinical testing. Allele origin: germline.

Labcorp Genetics (formerly Invitae), Labcorp
Classification: Uncertain significance for Fanconi anemia. Last evaluated: 2024-10-22. Review status: criteria provided, single submitter. Criteria: Invitae Variant Classification Sherloc (09022015). Collection method: clinical testing. Allele origin: germline.
Comment: This sequence change replaces serine, which is neutral and polar, with leucine, which is neutral and non-polar, at codon 1157 of the SLX4 protein (p.Ser1157Leu). This variant is present in population databases (rs769688259, gnomAD 0.006%). This variant has not been reported in the literature in individuals affected with SLX4-related conditions. ClinVar contains an entry for this variant (Variation ID: 407906). An algorithm developed to predict the effect of missense changes on protein structure and function (PolyPhen-2) suggests that this variant is likely to be disruptive. In summary, the available evidence is currently insufficient to determine the role of this variant in disease. Therefore, it has been classified as a Variant of Uncertain Significance.

Breakthrough Genomics
Classification: Uncertain significance. Review status: criteria provided, single submitter. Criteria: ACMG Guidelines, 2015. Collection method: not provided. Allele origin: germline. Inheritance: Autosomal recessive inheritance. Affected: yes.